The following is an entry in ClinVar:

ClinVar aggregate classification (germline): Likely benign (1 of 4 stars; one submission).

Allele frequency attached by ClinVar (database versions not stated): ExAC 0.00007; gnomAD exomes 0.00008; TOPMed 0.00010; gnomAD 0.00012.
gnomAD v4.1: 134 of 1,613,876 alleles (0.0083%); highest among the groups gnomAD compares: South Asian, 0.015%; no homozygotes.

Submission:

CeGaT Center for Human Genetics Tuebingen
Classification: Likely benign. Last evaluated: 2022-09-01. Review status: criteria provided, single submitter. Criteria: CeGaT Center For Human Genetics Tuebingen Variant Classification Criteria Version 2. Collection method: clinical testing. Allele origin: germline. Affected: yes. Observed: 1 variant allele.
Comment: LILRB5: BP4, BP7

NM_001081442.3(LILRB5):c.882A>G (p.Arg294=)

Gene: LILRB5 (leukocyte immunoglobulin like receptor B5; minus strand). Cytogenetic location: 19q13.42.
Variant type: single nucleotide variant.
Coding change: c.882A>G on transcript NM_001081442.3 (MANE Select); coding-DNA position 882, A replaced by G.
Protein change: p.Arg294=; no amino-acid change (arginine 294 retained).
Molecular consequence: synonymous variant.
Genome position (GRCh38, 1-based): chr19:54,255,356, T>C on the plus strand (A>G on the coding strand, the complement: LILRB5 is on the minus strand). VCF-style: chr19-54255356-T-C. GRCh37 (hg19) VCF-style: chr19-54759219-T-C.
Other names: c.582A>G, p.Arg194= (NM_001081443.3); c.855A>G, p.Arg285= (NM_001304457.3, NM_001412269.1); c.882A>G, p.Arg294= (NM_006840.5).
Identifiers: ClinVar variation 2650436 (VCV002650436.24), dbSNP rs758427793, ClinGen allele CA309429505.